The following is an entry in ClinVar:

ClinVar aggregate classification (germline): Uncertain significance. Review status: criteria provided, multiple submitters, no conflicts (2 of 4 stars). 2 submissions from 2 submitters: Uncertain significance (2). Last evaluated 2023-12-28.

Conditions:
Inborn genetic diseases. Identifiers: MedGen C0950123, MeSH D030342.

Allele frequency attached by ClinVar (database versions not stated): gnomAD exomes below 0.00001; TOPMed below 0.00001; gnomAD 0.00002.

Submissions (2):

Labcorp Genetics (formerly Invitae), Labcorp
Classification: Uncertain significance. Last evaluated: 2023-12-28. Review status: criteria provided, single submitter. Criteria: Invitae Variant Classification Sherloc (09022015). Collection method: clinical testing. Allele origin: germline.
Comment: This sequence change replaces methionine, which is neutral and non-polar, with isoleucine, which is neutral and non-polar, at codon 303 of the NACC1 protein (p.Met303Ile). This variant is present in population databases (no rsID available, gnomAD 0.007%). This variant has not been reported in the literature in individuals affected with NACC1-related conditions. ClinVar contains an entry for this variant (Variation ID: 1449525). Advanced modeling of protein sequence and biophysical properties (such as structural, functional, and spatial information, amino acid conservation, physicochemical variation, residue mobility, and thermodynamic stability) performed at Invitae indicates that this missense variant is not expected to disrupt NACC1 protein function with a negative predictive value of 80%. In summary, the available evidence is currently insufficient to determine the role of this variant in disease. Therefore, it has been classified as a Variant of Uncertain Significance.

Ambry Genetics
Classification: Uncertain significance for Inborn genetic diseases. Last evaluated: 2023-12-12. Review status: criteria provided, single submitter. Criteria: Ambry Variant Classification Scheme 2023. Collection method: clinical testing. Allele origin: germline.

NM_052876.4(NACC1):c.909G>A (p.Met303Ile)

Gene: NACC1 (nucleus accumbens associated 1; plus strand). Cytogenetic location: 19p13.13.
Variant type: single nucleotide variant.
Coding change: c.909G>A on transcript NM_052876.4 (MANE Select); coding-DNA position 909, G replaced by A.
Protein change: p.Met303Ile; replaces methionine 303 with isoleucine.
Molecular consequence: missense variant.
Genome position (GRCh38, 1-based): chr19:13,136,116, G>A. VCF-style: chr19-13136116-G-A. GRCh37 (hg19) VCF-style: chr19-13246930-G-A.
Other names: c.909G>A (NM_052876.2); short protein forms M303I.
Identifiers: ClinVar variation 1449525 (VCV001449525.7), dbSNP rs958808508, ClinGen allele CA305553372.